The following is an entry in ClinVar:

ClinVar aggregate classification (germline): Likely pathogenic (1 of 4 stars; one submission).

Conditions:
Autosomal recessive nonsyndromic hearing loss 18B. Also called: Deafness, autosomal recessive 18b. Identifiers: Orphanet 90636, MedGen C3554163, MONDO:0013985, OMIM 614945.

Submission:

Juno Genomics, Hangzhou Juno Genomics, Inc
Classification: Likely pathogenic for Autosomal recessive nonsyndromic hearing loss 18B. Review status: criteria provided, single submitter. Criteria: ACMG Guidelines, 2015. Collection method: clinical testing. Allele origin: germline.
Comment: Null variant in a gene where loss of function (LOF) is a known mechanism of disease.;Absent from controls (or at extremely low frequency if recessive) in Genome Aggregation Database.

NM_001292063.2(OTOG):c.2605+1G>A

Gene: OTOG (otogelin; plus strand). Cytogenetic location: 11p15.1.
Variant type: single nucleotide variant.
Coding change: c.2605+1G>A on transcript NM_001292063.2 (MANE Select); the canonical splice donor site of the intron after coding-DNA position 2605, G replaced by A.
Molecular consequence: splice donor variant.
Genome position (GRCh38, 1-based): chr11:17,576,912, G>A. VCF-style: chr11-17576912-G-A. GRCh37 (hg19) VCF-style: chr11-17598459-G-A.
Other names: c.2641+1G>A (NM_001277269.2).
Identifiers: ClinVar variation 5007836 (VCV005007836.2).
Genomic context (GRCh38, chr11:17,576,912, plus strand): 5'-CCGTCTCTCTCTGCAGCCACTGCAAAGATGGAGTCATGAGCTGTGATAGCAGAGCCCCAG[G>A]TAAGGGTGGGTGGAGGGGTGGAGCCCTTCTGGGGGCTCCACATGGTAAAGGAGAGTGGGG-3'